The following is an entry in ClinVar:

ClinVar aggregate classification (germline): Likely benign. Review status: criteria provided, multiple submitters, no conflicts (2 of 4 stars). 4 submissions from 4 submitters: Likely benign (3). 1 of the submissions does not count toward it. Last evaluated 2025-09-01.

Conditions:
TUBGCP6-related disorder. Also called: TUBGCP6-related condition.

Allele frequency attached by ClinVar (database versions not stated): 1000 Genomes Project 30x 0.00047; 1000 Genomes Project 0.00060; ExAC 0.00063; gnomAD exomes 0.00069 and 0.00139; TOPMed 0.00075; gnomAD 0.00086 and 0.00088; ESP Exome Variant Server 0.00123.

Submissions (4):

CeGaT Center for Human Genetics Tuebingen
Classification: Likely benign. Last evaluated: 2025-09-01. Review status: criteria provided, single submitter. Criteria: CeGaT Center For Human Genetics Tuebingen Variant Classification Criteria Version 2. Collection method: clinical testing. Allele origin: germline. Affected: yes. Observed: 2 variant alleles.
Comment: TUBGCP6: BP4, BP7

Blueprint Genetics
Classification: Likely benign. Last evaluated: 2024-09-14. Review status: criteria provided, single submitter. Criteria: ACMG Guidelines, 2015. Collection method: clinical testing. Allele origin: germline.

Labcorp Genetics (formerly Invitae), Labcorp
Classification: Likely benign. Last evaluated: 2019-12-31. Review status: criteria provided, single submitter. Criteria: Invitae Variant Classification Sherloc (09022015). Collection method: clinical testing. Allele origin: germline.

PreventionGenetics, part of Exact Sciences
Classification: Likely benign for TUBGCP6-related condition. Last evaluated: 2019-09-13. Review status: no assertion criteria provided. Collection method: clinical testing. Allele origin: germline. Not counted in ClinVar's aggregate classification.
Comment: This variant is classified as likely benign based on ACMG/AMP sequence variant interpretation guidelines (Richards et al. 2015 PMID: 25741868, with internal and published modifications).

NM_020461.4(TUBGCP6):c.1701G>A (p.Leu567=)

Gene: TUBGCP6 (tubulin gamma complex component 6; minus strand). Cytogenetic location: 22q13.33.
Variant type: single nucleotide variant.
Coding change: c.1701G>A on transcript NM_020461.4 (MANE Select); coding-DNA position 1701, G replaced by A.
Protein change: p.Leu567=; no amino-acid change (leucine 567 retained).
Molecular consequence: synonymous variant.
Genome position (GRCh38, 1-based): chr22:50,226,182, C>T on the plus strand (G>A on the coding strand, the complement: TUBGCP6 is on the minus strand). VCF-style: chr22-50226182-C-T. GRCh37 (hg19) VCF-style: chr22-50664611-C-T.
Identifiers: ClinVar variation 717341 (VCV000717341.38), dbSNP rs142499686, ClinGen allele CA10308534.